The following is an entry in ClinVar:

NM_004977.3(KCNC3):c.1746A>C (p.Pro582=)

Gene: KCNC3 (potassium voltage-gated channel subfamily C member 3; minus strand). Cytogenetic location: 19q13.33.
Variant type: single nucleotide variant.
Coding change: c.1746A>C on transcript NM_004977.3 (MANE Select); coding-DNA position 1746, A replaced by C.
Protein change: p.Pro582=; no amino-acid change (proline 582 retained).
Molecular consequence: synonymous variant.
Genome position (GRCh38, 1-based): chr19:50,323,207, T>G on the plus strand (A>C on the coding strand, the complement: KCNC3 is on the minus strand). VCF-style: chr19-50323207-T-G. GRCh37 (hg19) VCF-style: chr19-50826464-T-G.
Other names: c.1518A>C, p.Pro506= (NM_001372305.1).
Identifiers: ClinVar variation 2650321 (VCV002650321.24), dbSNP rs905397202, ClinGen allele CA309572684.

ClinVar aggregate classification (germline): Likely benign (1 of 4 stars; one submission).

Allele frequency attached by ClinVar (database versions not stated): gnomAD 0.00001.

Submission:

CeGaT Center for Human Genetics Tuebingen
Classification: Likely benign. Last evaluated: 2022-11-01. Review status: criteria provided, single submitter. Criteria: CeGaT Center For Human Genetics Tuebingen Variant Classification Criteria Version 2. Collection method: clinical testing. Allele origin: germline. Affected: yes. Observed: 2 variant alleles.
Comment: KCNC3: BP4, BP7